The following is an entry in ClinVar:

NM_004425.4(ECM1):c.589C>T (p.Gln197Ter)

Gene: ECM1 (extracellular matrix protein 1; plus strand). Cytogenetic location: 1q21.2.
Variant type: single nucleotide variant.
Coding change: c.589C>T on transcript NM_004425.4 (MANE Select); coding-DNA position 589, C replaced by T.
Protein change: p.Gln197Ter; replaces glutamine 197 with a stop codon.
Molecular consequence: nonsense.
Genome position (GRCh38, 1-based): chr1:150,511,079, C>T. VCF-style: chr1-150511079-C-T. GRCh37 (hg19) VCF-style: chr1-150483555-C-T.
Other names: c.670C>T, p.Gln224Ter (NM_001202858.2); c.589C>T, p.Gln197Ter (NM_022664.3); short protein forms Q197*, Q224*.
Identifiers: ClinVar variation 4850253 (VCV004850253.1).

ClinVar aggregate classification (germline): Likely pathogenic (1 of 4 stars; one submission).

Conditions:
Lipid proteinosis. Also called: lipoid proteinosis; HYALINOSIS CUTIS ET MUCOSAE; Lipoid Proteinosis of Urbach and Wiethe; Urbach Wiethe disease. Identifiers: Orphanet 530, MedGen C0023795, MONDO:0009530, OMIM 247100.

Submission:

First Genomix Gene Laboratory, Genetic Diagnostics Department
Classification: Likely pathogenic for Lipid proteinosis. Last evaluated: 2025-09-16. Review status: criteria provided, single submitter. Criteria: ACMG Guidelines, 2015. Collection method: clinical testing. Allele origin: germline. Inheritance: Autosomal recessive inheritance. Affected: no. Observed: 1 variant allele.